The following is an entry in ClinVar:

NM_004963.4(GUCY2C):c.2461G>A (p.Glu821Lys)

Gene: GUCY2C (guanylate cyclase 2C; minus strand). Cytogenetic location: 12p12.3.
Variant type: single nucleotide variant.
Coding change: c.2461G>A on transcript NM_004963.4 (MANE Select); coding-DNA position 2461, G replaced by A.
Protein change: p.Glu821Lys; replaces glutamic acid 821 with lysine.
Molecular consequence: missense variant.
Genome position (GRCh38, 1-based): chr12:14,622,145, C>T on the plus strand (G>A on the coding strand, the complement: GUCY2C is on the minus strand). VCF-style: chr12-14622145-C-T. GRCh37 (hg19) VCF-style: chr12-14775079-C-T.
Other names: short protein forms E821K.
Identifiers: ClinVar variation 4745117 (VCV004745117.1).

ClinVar aggregate classification (germline): Uncertain significance (1 of 4 stars; one submission).

gnomAD v4.1: 3 of 1,598,922 alleles (0.00019%); highest among the groups gnomAD compares: Non-Finnish European, 0.00017%; no homozygotes.

Submission:

Labcorp Genetics (formerly Invitae), Labcorp
Classification: Uncertain significance. Last evaluated: 2025-09-25. Review status: criteria provided, single submitter. Criteria: Invitae Variant Classification Sherloc (09022015). Collection method: clinical testing. Allele origin: germline.
Comment: This sequence change replaces glutamic acid, which is acidic and polar, with lysine, which is basic and polar, at codon 821 of the GUCY2C protein (p.Glu821Lys). This variant is not present in population databases (gnomAD no frequency). This variant has not been reported in the literature in individuals affected with GUCY2C-related conditions. Invitae Evidence Modeling of protein sequence and biophysical properties (such as structural, functional, and spatial information, amino acid conservation, physicochemical variation, residue mobility, and thermodynamic stability) indicates that this missense variant is not expected to disrupt GUCY2C protein function with a negative predictive value of 80%. In summary, the available evidence is currently insufficient to determine the role of this variant in disease. Therefore, it has been classified as a Variant of Uncertain Significance.